The following is an entry in ClinVar:

NM_015335.5(MED13L):c.6239dup (p.Leu2081fs)

Gene: MED13L (mediator complex subunit 13L; minus strand). Cytogenetic location: 12q24.21.
Variant type: Duplication.
Coding change: c.6239dup on transcript NM_015335.5 (MANE Select); coding-DNA position 6239, one base duplicated (G; older notation c.6239dupG).
Protein change: p.Leu2081fs; shifts the reading frame from leucine 2081.
Molecular consequence: frameshift variant.
Genome position (GRCh38, 1-based): chr12:115,966,230, C duplicated on the plus strand (G on the coding strand, the reverse complement: MED13L is on the minus strand). VCF-style (leftmost placement, unchanged base first): chr12-115966229-A-AC. GRCh37 (hg19) VCF-style: chr12-116404034-A-AC.
Other names: short protein forms L2081fs.
Identifiers: ClinVar variation 2007805 (VCV002007805.4), dbSNP rs2499956501, ClinGen allele CA2580085841.

ClinVar aggregate classification (germline): Pathogenic (1 of 4 stars; one submission).

Conditions:
Dextro-looped transposition of the great arteries. Also called: Dextrotransposition of the great arteries. Identifiers: Orphanet 860, MedGen C3531771, MONDO:0019443, OMIM 608808, HP:0031348.

Submission:

Labcorp Genetics (formerly Invitae), Labcorp
Classification: Pathogenic for Dextro-looped transposition of the great arteries. Last evaluated: 2022-06-18. Review status: criteria provided, single submitter. Criteria: Invitae Variant Classification Sherloc (09022015). Collection method: clinical testing. Allele origin: germline.
Comment: For these reasons, this variant has been classified as Pathogenic. This variant has not been reported in the literature in individuals affected with MED13L-related conditions. This variant is not present in population databases (gnomAD no frequency). This sequence change creates a premature translational stop signal (p.Leu2081Serfs*4) in the MED13L gene. It is expected to result in an absent or disrupted protein product. Loss-of-function variants in MED13L are known to be pathogenic (PMID: 25712080, 25758992).

Literature cited by the submitters: PubMed 25712080; PubMed 25758992.